The following is an entry in ClinVar:

ClinVar aggregate classification (germline): Uncertain significance. Review status: criteria provided, multiple submitters, no conflicts (2 of 4 stars). 2 submissions from 2 submitters: Uncertain significance (2). Last evaluated 2025-07-21.

Conditions:
Congenital myasthenic syndrome 4A. Also called: Myasthenic syndrome, congenital, 4a, slow-channel; MYASTHENIC SYNDROME, CONGENITAL, 4A, SLOW-CHANNEL, AUTOSOMAL RECESSIVE; CONGENITAL MYASTHENIC SYNDROME TYPE Ia1. Identifiers: Orphanet 590, MedGen C4225413, MONDO:0011600, OMIM 605809.
Inborn genetic diseases. Identifiers: MedGen C0950123, MeSH D030342.

Allele frequency attached by ClinVar (database versions not stated): gnomAD 0.00001; ExAC 0.00002; gnomAD exomes 0.00002; TOPMed 0.00002.
gnomAD v4.1: 12 of 1,614,074 alleles (0.00074%); highest among the groups gnomAD compares: Admixed American, 0.0067%; no homozygotes.

Submissions (2):

Ambry Genetics
Classification: Uncertain significance for Inborn genetic diseases. Last evaluated: 2025-07-21. Review status: criteria provided, single submitter. Criteria: Ambry Variant Classification Scheme 2023. Collection method: clinical testing. Allele origin: germline.

Labcorp Genetics (formerly Invitae), Labcorp
Classification: Uncertain significance for Congenital myasthenic syndrome 4A. Last evaluated: 2021-09-02. Review status: criteria provided, single submitter. Criteria: Invitae Variant Classification Sherloc (09022015). Collection method: clinical testing. Allele origin: germline.
Comment: This sequence change replaces phenylalanine with valine at codon 286 of the CHRNE protein (p.Phe286Val). The phenylalanine residue is highly conserved and there is a small physicochemical difference between phenylalanine and valine. This variant is present in population databases (rs756844933, ExAC 0.006%). This variant has not been reported in the literature in individuals affected with CHRNE-related conditions. Algorithms developed to predict the effect of missense changes on protein structure and function (SIFT, PolyPhen-2, Align-GVGD) all suggest that this variant is likely to be disruptive. In summary, the available evidence is currently insufficient to determine the role of this variant in disease. Therefore, it has been classified as a Variant of Uncertain Significance.

NM_000080.4(CHRNE):c.856T>G (p.Phe286Val)

Genes: C17orf107 (chromosome 17 open reading frame 107; plus strand), CHRNE (cholinergic receptor nicotinic epsilon subunit; minus strand). Cytogenetic location: 17p13.2.
Variant type: single nucleotide variant.
Coding change: c.856T>G on transcript NM_000080.4 (MANE Select); coding-DNA position 856, T replaced by G.
Protein change: p.Phe286Val; replaces phenylalanine 286 with valine.
Molecular consequence: missense variant. On other transcripts: 3 prime UTR variant (1).
Genome position (GRCh38, 1-based): chr17:4,900,854, A>C on the plus strand (T>G on the coding strand, the complement: CHRNE is on the minus strand). VCF-style: chr17-4900854-A-C. GRCh37 (hg19) VCF-style: chr17-4804149-A-C.
Other names: c.*321A>C (NM_001145536.2); c.856T>G (NM_000080.3); short protein forms F286V.
Identifiers: ClinVar variation 1450926 (VCV001450926.6), dbSNP rs756844933, ClinGen allele CA8314226.
Genomic context (GRCh38, chr17:4,900,854, plus strand): 5'-TGCCCAGGAGCGGCACGCTCAGAGAAGTCTCTGGGATTTTCTGGGCAATGAGGAACAAGA[A>C]GACGGTCTGGGCGAGCAGGACGTTGATGGAGACCGTGCATTTCTGGCCGCCGGCTGGAGG-3'
Protein context (NP_000071.1, residues 276-296): SINVLLAQTV[Phe286Val]LFLIAQKIPE